The following is an entry in ClinVar:

NM_000092.5(COL4A4):c.1988-4G>A

Gene: COL4A4 (collagen type IV alpha 4 chain; minus strand). Cytogenetic location: 2q36.3.
Variant type: single nucleotide variant.
Coding change: c.1988-4G>A on transcript NM_000092.5 (MANE Select); 4 bases into the intron before coding-DNA position 1988, G replaced by A.
Molecular consequence: intron variant.
Genome position (GRCh38, 1-based): chr2:227,062,602, C>T on the plus strand (G>A on the coding strand, the complement: COL4A4 is on the minus strand). VCF-style: chr2-227062602-C-T. GRCh37 (hg19) VCF-style: chr2-227927318-C-T.
Other names: c.1988-4G>A (NM_000092.4).
Identifiers: ClinVar variation 1624382 (VCV001624382.9), dbSNP rs758331938, ClinGen allele CA2144990.

ClinVar aggregate classification (germline): Likely benign. Review status: criteria provided, multiple submitters, no conflicts (2 of 4 stars). 2 submissions from 2 submitters: Likely benign (2). Last evaluated 2026-04-27.

Conditions:
COL4A4-related disorder.

Allele frequency attached by ClinVar (database versions not stated): ExAC 0.00002.
gnomAD v4.1: 13 of 1,610,810 alleles (0.00081%); highest among the groups gnomAD compares: Non-Finnish European, 0.00017%; no homozygotes.

Submissions (2):

PreventionGenetics, part of Exact Sciences
Classification: Likely benign for COL4A4-related condition. Last evaluated: 2026-04-27. Review status: criteria provided, single submitter. Criteria: ACMG Guidelines, 2015. Collection method: clinical testing. Allele origin: germline.
Comment: This variant is classified as likely benign based on ACMG/AMP sequence variant interpretation guidelines (Richards et al. 2015 PMID: 25741868, with internal and published modifications).

Labcorp Genetics (formerly Invitae), Labcorp
Classification: Likely benign. Last evaluated: 2020-12-27. Review status: criteria provided, single submitter. Criteria: Invitae Variant Classification Sherloc (09022015). Collection method: clinical testing. Allele origin: germline.